The following is an entry in ClinVar:

ClinVar aggregate classification (germline): Uncertain significance (1 of 4 stars; one submission).

Submission:

GeneDx
Classification: Uncertain significance. Last evaluated: 2025-03-06. Review status: criteria provided, single submitter. Criteria: GeneDx Variant Classification Process June 2021. Collection method: clinical testing. Allele origin: germline. Affected: yes.
Comment: Not observed at significant frequency in large population cohorts (gnomAD); In silico analysis supports that this missense variant has a deleterious effect on protein structure/function; Has not been previously published as pathogenic or benign to our knowledge

NM_181552.4(CUX1):c.240T>G (p.Asn80Lys)

Gene: CUX1 (cut like homeobox 1; plus strand). Cytogenetic location: 7q22.1.
Variant type: single nucleotide variant.
Coding change: c.240T>G on transcript NM_181552.4 (MANE Select); coding-DNA position 240, T replaced by G.
Protein change: p.Asn80Lys; replaces asparagine 80 with lysine.
Molecular consequence: missense variant.
Genome position (GRCh38, 1-based): chr7:102,070,389, T>G. VCF-style: chr7-102070389-T-G. GRCh37 (hg19) VCF-style: chr7-101713669-T-G.
Other names: c.273T>G, p.Asn91Lys (NM_001202543.2, NM_001202545.3, NM_001913.5 and 1 more transcripts); c.225T>G, p.Asn75Lys (NM_001202544.3); c.162T>G, p.Asn54Lys (NM_001202546.3); short protein forms N54K, N75K, N80K, N91K.
Identifiers: ClinVar variation 4083039 (VCV004083039.1).
Genomic context (GRCh38, chr7:102,070,389, plus strand): 5'-TCCCTTTCAGATTGATGCACTGAGTAAAAGAAGCAAGGAAGCTGAAGCAGCTTTCTTGAA[T>G]GTCTACAAAAGATTGATTGACGTCCCAGGTAAGCCCCGGCAGTAATGGCCCACCAGTGGG-3'
Protein context (NP_853530.2, residues 70-90): RSKEAEAAFL[Asn80Lys]VYKRLIDVPD